The following is an entry in ClinVar:

NM_000293.3(PHKB):c.2985C>T (p.Tyr995=)

Gene: PHKB (phosphorylase kinase regulatory subunit beta; plus strand). Cytogenetic location: 16q12.1.
Variant type: single nucleotide variant.
Coding change: c.2985C>T on transcript NM_000293.3 (MANE Select); coding-DNA position 2985, C replaced by T.
Protein change: p.Tyr995=; no amino-acid change (tyrosine 995 retained).
Molecular consequence: synonymous variant.
Genome position (GRCh38, 1-based): chr16:47,696,470, C>T. VCF-style: chr16-47696470-C-T. GRCh37 (hg19) VCF-style: chr16-47730381-C-T.
Other names: c.2964C>T, p.Tyr988= (NM_001031835.3); c.2985C>T, p.Tyr995= (NM_001363837.1); c.2964C>T (NM_001031835.2).
Identifiers: ClinVar variation 2142418 (VCV002142418.6), dbSNP rs142163694, ClinGen allele CA8041388.

ClinVar aggregate classification (germline): Likely benign. Review status: criteria provided, single submitter (1 of 4 stars). 2 submissions from 2 submitters: Likely benign (1). 1 of the submissions does not count toward it. Last evaluated 2025-10-18.

Conditions:
PHKB-related disorder. Also called: PHKB-related condition.
Glycogen storage disease IXb (GSD9B). Also called: GLYCOGENOSIS OF LIVER AND MUSCLE, AUTOSOMAL RECESSIVE; GSD IXb; PHOSPHORYLASE KINASE DEFICIENCY OF LIVER AND MUSCLE, AUTOSOMAL RECESSIVE. Identifiers: Orphanet 79240, MedGen C0543514, MONDO:0009868, OMIM 261750.

Allele frequency attached by ClinVar (database versions not stated): gnomAD 0.00013; 1000 Genomes Project 30x 0.00016; TOPMed 0.00016; 1000 Genomes Project 0.00020; ESP Exome Variant Server 0.00038.
gnomAD v4.1: 46 of 1,587,834 alleles (0.0029%); highest among the groups gnomAD compares: African/African-American, 0.052%; no homozygotes.

Submissions (2):

Labcorp Genetics (formerly Invitae), Labcorp
Classification: Likely benign for Glycogen storage disease IXb. Last evaluated: 2025-10-18. Review status: criteria provided, single submitter. Criteria: Invitae Variant Classification Sherloc (09022015). Collection method: clinical testing. Allele origin: germline.

PreventionGenetics, part of Exact Sciences
Classification: Likely benign for PHKB-related condition. Last evaluated: 2020-01-02. Review status: no assertion criteria provided. Collection method: clinical testing. Allele origin: germline. Not counted in ClinVar's aggregate classification.
Comment: This variant is classified as likely benign based on ACMG/AMP sequence variant interpretation guidelines (Richards et al. 2015 PMID: 25741868, with internal and published modifications).